The following is an entry in ClinVar:

NM_007194.4(CHEK2):c.609T>A (p.Asp203Glu)

Gene: CHEK2 (checkpoint kinase 2; minus strand). Cytogenetic location: 22q12.1.
Variant type: single nucleotide variant.
Coding change: c.609T>A on transcript NM_007194.4 (MANE Select); coding-DNA position 609, T replaced by A.
Protein change: p.Asp203Glu; replaces aspartic acid 203 with glutamic acid.
Molecular consequence: missense variant. On other transcripts: 5 prime UTR variant (2), intron variant (1).
Genome position (GRCh38, 1-based): chr22:28,719,469, A>T on the plus strand (T>A on the coding strand, the complement: CHEK2 is on the minus strand). VCF-style: chr22-28719469-A-T. GRCh37 (hg19) VCF-style: chr22-29115457-A-T.
Other names: c.738T>A, p.Asp246Glu (NM_001005735.3, NM_001438294.1); c.-55T>A (NM_001257387.3, NM_001437942.1); c.702T>A, p.Asp234Glu (NM_001438293.1, NM_001438295.1); c.609T>A, p.Asp203Glu (NM_145862.3); c.482+5417T>A (NM_001349956.3); short protein forms D246E, D203E, D234E.
Identifiers: ClinVar variation 1751575 (VCV001751575.4), dbSNP rs587781563, ClinGen allele CA411105125.
Genomic context (GRCh38, chr22:28,719,469, plus strand): 5'-TGACATGATGTATTCATCTCTTAATGCCTTAGGATAAACTGACTGATCATCTACAGTCAG[A>T]TCAAAAAAGACAAAAACTAAGGAAGAAAAGAGTAGAAATGGGTTTCATTAATTTATTCAC-3'
Protein context (NP_009125.1, residues 193-213): LSRNKVFVFF[Asp203Glu]LTVDDQSVYP

ClinVar aggregate classification (germline): Uncertain significance. Review status: criteria provided, multiple submitters, no conflicts (2 of 4 stars). 2 submissions from 2 submitters: Uncertain significance (2). Last evaluated 2024-10-10.

Conditions:
Hereditary cancer-predisposing syndrome. Also called: Hereditary Cancer Syndrome; Hereditary neoplastic syndrome; Neoplastic Syndromes, Hereditary; Tumor predisposition. Identifiers: Orphanet 140162, MedGen C0027672, MeSH D009386, MONDO:0015356.
Familial cancer of breast. Also called: BREAST CANCER, FAMILIAL; hereditary breast carcinoma; Hereditary breast cancer. Identifiers: Orphanet 227535, MedGen C0346153, MONDO:0016419, OMIM 114480. Disease mechanism: loss of function.

Submissions (2):

Labcorp Genetics (formerly Invitae), Labcorp
Classification: Uncertain significance for Familial cancer of breast. Last evaluated: 2024-10-10. Review status: criteria provided, single submitter. Criteria: Invitae Variant Classification Sherloc (09022015). Collection method: clinical testing. Allele origin: germline.
Comment: This sequence change replaces aspartic acid, which is acidic and polar, with glutamic acid, which is acidic and polar, at codon 203 of the CHEK2 protein (p.Asp203Glu). This variant is not present in population databases (gnomAD no frequency). This variant has not been reported in the literature in individuals affected with CHEK2-related conditions. ClinVar contains an entry for this variant (Variation ID: 1751575). An algorithm developed to predict the effect of missense changes on protein structure and function (PolyPhen-2) suggests that this variant is likely to be disruptive. In summary, the available evidence is currently insufficient to determine the role of this variant in disease. Therefore, it has been classified as a Variant of Uncertain Significance.

Ambry Genetics
Classification: Uncertain significance for Hereditary cancer-predisposing syndrome. Last evaluated: 2020-09-21. Review status: criteria provided, single submitter. Criteria: Ambry Variant Classification Scheme 2023. Collection method: clinical testing. Allele origin: germline.
Comment: The p.D203E variant (also known as c.609T>A), located in coding exon 4 of the CHEK2 gene, results from a T to A substitution at nucleotide position 609. The aspartic acid at codon 203 is replaced by glutamic acid, an amino acid with highly similar properties. This amino acid position is highly conserved in available vertebrate species. In addition, the in silico prediction for this alteration is inconclusive. Since supporting evidence is limited at this time, the clinical significance of this alteration remains unclear.